The following is an entry in ClinVar:

ClinVar aggregate classification (germline): Conflicting classifications of pathogenicity. Review status: criteria provided, conflicting classifications (1 of 4 stars). 5 submissions from 5 submitters: Uncertain significance (1); Likely benign (2). 2 of the submissions do not count toward it. Last evaluated 2025-10-07.

Conditions:
Hypertrophic cardiomyopathy. Also called: HYPERTROPHIC MYOCARDIOPATHY. Identifiers: Orphanet 217569, MedGen C0007194, MeSH D002312, MONDO:0005045, HP:0001639.
Cardiomyopathy (CMYO). Also called: Cardiomyopathies. Identifiers: Orphanet 167848, MedGen C0878544, MONDO:0004994, HP:0001638. Inheritance: Various modes of inheritance.
Lethal congenital glycogen storage disease of heart. Also called: PHOSPHORYLASE KINASE DEFICIENCY OF HEART; GLYCOGEN STORAGE DISEASE OF HEART. Identifiers: Orphanet 439854, MedGen C1849813, MONDO:0009867, OMIM 261740.

Allele frequency attached by ClinVar (database versions not stated): gnomAD 0.00001.
gnomAD v4.1: 6 of 1,613,222 alleles (0.00037%); highest among the groups gnomAD compares: Non-Finnish European, 0.00051%; no homozygotes.

Submissions (5):

Color Diagnostics, LLC DBA Color Health
Classification: Likely benign for Cardiomyopathy. Last evaluated: 2025-10-07. Review status: criteria provided, single submitter. Criteria: ACMG Guidelines, 2015. Collection method: clinical testing. Allele origin: germline.

All of Us Research Program, National Institutes of Health
Classification: Uncertain significance for Hypertrophic cardiomyopathy. Last evaluated: 2023-09-17. Review status: criteria provided, single submitter. Criteria: ACMG Guidelines, 2015. Collection method: clinical testing. Allele origin: germline. Inheritance: Autosomal dominant inheritance. Observed: 1 variant allele, 1 heterozygote.
Comment: This missense variant replaces proline with serine at codon 85 of the PRKAG2 protein. Computational prediction suggests that this variant may not impact protein structure and function (internally defined REVEL score threshold <= 0.5, PMID: 27666373). To our knowledge, functional studies have not been reported for this variant. This variant has been reported in two individuals affected with hypertrophic cardiomyopathy; one of these individuals also carried a pathogenic truncating variant in the MYBPC3 gene (PMID: 23785128, 30847666). This variant has also been reported in an individual affected with dilated cardiomyopathy and in an individual affected with unknown arrhythmia (PMID: 30847666). This variant has been identified in 2/245228 chromosomes in the general population by the Genome Aggregation Database (gnomAD). The available evidence is insufficient to determine the role of this variant in disease conclusively. Therefore, this variant is classified as a Variant of Uncertain Significance.

This study involves interpretation of variants in research participants for the purpose of population health screening. Participant phenotype was not available at the time of variant classification. Additional details can be found in publication PMID: 35346344, PMCID: PMC8962531

Labcorp Genetics (formerly Invitae), Labcorp
Classification: Likely benign for Lethal congenital glycogen storage disease of heart. Last evaluated: 2023-08-16. Review status: criteria provided, single submitter. Criteria: Invitae Variant Classification Sherloc (09022015). Collection method: clinical testing. Allele origin: germline.

Clinical Genetics, Academic Medical Center
Classification: Uncertain significance. Review status: no assertion criteria provided. Collection method: clinical testing. Allele origin: germline. Affected: yes. Study: VKGL Data-share Consensus. Not counted in ClinVar's aggregate classification.

Genome Diagnostics Laboratory, University Medical Center Utrecht
Classification: Uncertain significance. Review status: no assertion criteria provided. Collection method: clinical testing. Allele origin: germline. Affected: yes. Study: VKGL Data-share Consensus. Not counted in ClinVar's aggregate classification.

Literature cited by the submitters: PubMed 23785128 (cited by All of Us Research Program, National Institutes of Health); PubMed 30847666 (cited by All of Us Research Program, National Institutes of Health).

NM_016203.4(PRKAG2):c.253C>T (p.Pro85Ser)

Gene: PRKAG2 (protein kinase AMP-activated non-catalytic subunit gamma 2; minus strand). Cytogenetic location: 7q36.1.
Variant type: single nucleotide variant.
Coding change: c.253C>T on transcript NM_016203.4 (MANE Select); coding-DNA position 253, C replaced by T.
Protein change: p.Pro85Ser; replaces proline 85 with serine.
Molecular consequence: missense variant.
Genome position (GRCh38, 1-based): chr7:151,781,365, G>A on the plus strand (C>T on the coding strand, the complement: PRKAG2 is on the minus strand). VCF-style: chr7-151781365-G-A. GRCh37 (hg19) VCF-style: chr7-151478451-G-A.
Other names: c.121C>T, p.Pro41Ser (NM_001040633.2); short protein forms P41S, P85S.
Identifiers: ClinVar variation 1284764 (VCV001284764.7), dbSNP rs754570613, ClinGen allele CA370069819.